The following is an entry in ClinVar:

ClinVar aggregate classification (germline): Uncertain significance (1 of 4 stars; one submission).

Conditions:
Cardiovascular phenotype. Identifiers: MedGen CN230736.

Submission:

Ambry Genetics
Classification: Uncertain significance for Cardiovascular phenotype. Last evaluated: 2026-01-06. Review status: criteria provided, single submitter. Criteria: Ambry Variant Classification Scheme 2023. Collection method: clinical testing. Allele origin: germline.
Comment: The p.K747M variant (also known as c.2240A>T), located in coding exon 37 of the COL1A2 gene, results from an A to T substitution at nucleotide position 2240. The lysine at codon 747 is replaced by methionine, an amino acid with similar properties. This amino acid position is conserved. In addition, this alteration is predicted to be deleterious by in silico analysis. Based on the available evidence, the clinical significance of this variant remains unclear.

NM_000089.4(COL1A2):c.2240A>T (p.Lys747Met)

Gene: COL1A2 (collagen type I alpha 2 chain; plus strand). Cytogenetic location: 7q21.3.
Variant type: single nucleotide variant.
Coding change: c.2240A>T on transcript NM_000089.4 (MANE Select); coding-DNA position 2240, A replaced by T.
Protein change: p.Lys747Met; replaces lysine 747 with methionine.
Molecular consequence: missense variant.
Genome position (GRCh38, 1-based): chr7:94,420,593, A>T. VCF-style: chr7-94420593-A-T. GRCh37 (hg19) VCF-style: chr7-94049905-A-T.
Other names: short protein forms K747M.
Identifiers: ClinVar variation 4843204 (VCV004843204.1).